The following is an entry in ClinVar:

ClinVar aggregate classification (germline): Uncertain significance (1 of 4 stars; one submission).

Conditions:
Autosomal recessive limb-girdle muscular dystrophy type 2J (LGMDR10). Also called: Limb-girdle muscular dystrophy, type 2J; MUSCULAR DYSTROPHY, LIMB-GIRDLE, AUTOSOMAL RECESSIVE 10. Identifiers: Orphanet 140922, MedGen C1837342, MONDO:0012127, OMIM 608807.
Dilated cardiomyopathy 1G (CMD1G). Identifiers: Orphanet 154, MedGen C1858763, MONDO:0011400, OMIM 604145.

Submission:

Labcorp Genetics (formerly Invitae), Labcorp
Classification: Uncertain significance for Dilated cardiomyopathy 1G; Autosomal recessive limb-girdle muscular dystrophy type 2J. Last evaluated: 2024-01-24. Review status: criteria provided, single submitter. Criteria: Invitae Variant Classification Sherloc (09022015). Collection method: clinical testing. Allele origin: germline.
Comment: This sequence change replaces aspartic acid, which is acidic and polar, with glutamic acid, which is acidic and polar, at codon 34541 of the TTN protein (p.Asp34541Glu). This variant is not present in population databases (gnomAD no frequency). This variant has not been reported in the literature in individuals affected with TTN-related conditions. ClinVar contains an entry for this variant (Variation ID: 582962). Algorithms developed to predict the effect of missense changes on protein structure and function output the following: SIFT: "Not Available"; PolyPhen-2: "Not Available"; Align-GVGD: "Not Available". The glutamic acid amino acid residue is found in multiple mammalian species, which suggests that this missense change does not adversely affect protein function. This variant is located in the M band of TTN (PMID: 25589632). Non-truncating variants in this region may be relevant for neuromuscular disorders, but have not been definitively shown to cause cardiomyopathy (PMID: 23975875). In summary, the available evidence is currently insufficient to determine the role of this variant in disease. Therefore, it has been classified as a Variant of Uncertain Significance.

Literature cited by the submitters: PubMed 25589632; PubMed 23975875.

NM_001267550.2(TTN):c.103623T>G (p.Asp34541Glu)

Genes: TTN-AS1 (TTN antisense RNA 1; plus strand), TTN (titin; minus strand). Cytogenetic location: 2q31.2.
Variant type: single nucleotide variant.
Coding change: c.103623T>G on transcript NM_001267550.2 (MANE Select); coding-DNA position 103623, T replaced by G.
Protein change: p.Asp34541Glu; replaces aspartic acid 34541 with glutamic acid.
Molecular consequence: missense variant.
Genome position (GRCh38, 1-based): chr2:178,532,992, A>C on the plus strand (T>G on the coding strand, the complement: TTN is on the minus strand). VCF-style: chr2-178532992-A-C. GRCh37 (hg19) VCF-style: chr2-179397719-A-C.
Other names: c.98700T>G, p.Asp32900Glu (NM_001256850.1); c.76428T>G, p.Asp25476Glu (NM_003319.4); c.95919T>G, p.Asp31973Glu (NM_133378.4); c.76803T>G, p.Asp25601Glu (NM_133432.3); c.77004T>G, p.Asp25668Glu (NM_133437.4); short protein forms D34541E, D25601E, D25476E, D31973E, D32900E, D25668E.
Identifiers: ClinVar variation 582962 (VCV000582962.7), dbSNP rs1559020199, ClinGen allele CA349413870.
Genomic context (GRCh38, chr2:178,532,992, plus strand): 5'-CTGCTTGATGCGTTGGTCTTCTTCTATGGTAGTCTGCTTATACTTGCGTGGCTCTGGTAC[A>C]TCATAAGGCATCCGGAGTTTTCTCTCCTCCTTCTTTTCTTCTATCTCAAGTCTGAATTCC-3'
Protein context (NP_001254479.2, residues 34531-34551): KEERKLRMPY[Asp34541Glu]VPEPRKYKQT